The following is an entry in ClinVar:

NC_000017.10:g.(?_29552093)_(29557963_?)del

Gene: NF1 (neurofibromin 1; plus strand). Cytogenetic location: 17q11.2.
Variant type: Deletion.
Identifiers: ClinVar variation 3242856 (VCV003242856.1).

ClinVar aggregate classification (germline): Pathogenic (1 of 4 stars; one submission).

Conditions:
Neurofibromatosis, type 1 (NF1). Also called: VON RECKLINGHAUSEN DISEASE; Neurofibromatosis, type I; Peripheral type neurofibromatosis; NEUROFIBROMATOSIS, TYPE I, SOMATIC. Identifiers: Orphanet 636, MedGen C0027831, MONDO:0018975, OMIM 162200. Disease mechanism: loss of function.

Submission:

Labcorp Genetics (formerly Invitae), Labcorp
Classification: Pathogenic for Neurofibromatosis, type 1. Last evaluated: 2023-04-13. Review status: criteria provided, single submitter. Criteria: Invitae Variant Classification Sherloc (09022015). Collection method: clinical testing. Allele origin: unknown.
Comment: This variant has not been reported in the literature in individuals affected with NF1-related conditions. For these reasons, this variant has been classified as Pathogenic. This variant is a gross deletion of the genomic region encompassing exon(s) 17-24 of the NF1 gene. This deletion is out-of-frame, and is expected to create a premature termination codon and result in an absent or disrupted protein product. Loss-of-function variants in NF1 are known to be pathogenic (PMID: 10712197, 23913538).

Literature cited by the submitters: PubMed 10712197; PubMed 23913538.